The following is an entry in ClinVar:

NM_153006.3(NAGS):c.368G>A (p.Trp123Ter)

Gene: NAGS (N-acetylglutamate synthase; plus strand). Cytogenetic location: 17q21.31.
Variant type: single nucleotide variant.
Coding change: c.368G>A on transcript NM_153006.3 (MANE Select); coding-DNA position 368, G replaced by A.
Protein change: p.Trp123Ter; replaces tryptophan 123 with a stop codon.
Molecular consequence: nonsense.
Genome position (GRCh38, 1-based): chr17:44,005,031, G>A. VCF-style: chr17-44005031-G-A. GRCh37 (hg19) VCF-style: chr17-42082399-G-A.
Other names: short protein forms W123*.
Identifiers: ClinVar variation 1420832 (VCV001420832.6), dbSNP rs2143980093, ClinGen allele CA399737752.

ClinVar aggregate classification (germline): Pathogenic (1 of 4 stars; one submission).

Conditions:
Hyperammonemia, type III (NAGSD). Also called: Hyperammonemia due to N-acetylglutamate synthase deficiency. Identifiers: Orphanet 927, MedGen C0268543, MONDO:0009377, OMIM 237310.

Submission:

Labcorp Genetics (formerly Invitae), Labcorp
Classification: Pathogenic for Hyperammonemia, type III. Last evaluated: 2020-11-12. Review status: criteria provided, single submitter. Criteria: Invitae Variant Classification Sherloc (09022015). Collection method: clinical testing. Allele origin: germline.
Comment: For these reasons, this variant has been classified as Pathogenic. This variant has not been reported in the literature in individuals with NAGS-related conditions. The frequency data for this variant in the population databases is considered unreliable, as metrics indicate insufficient coverage at this position in the ExAC database. This sequence change creates a premature translational stop signal (p.Trp123*) in the NAGS gene. It is expected to result in an absent or disrupted protein product. Loss-of-function variants in NAGS are known to be pathogenic (PMID: 12594532).

Literature cited by the submitters: PubMed 12594532.